The following is an entry in ClinVar:

NM_000059.4(BRCA2):c.9146A>G (p.Tyr3049Cys)

Gene: BRCA2 (BRCA2 DNA repair associated; plus strand). Cytogenetic location: 13q13.1.
Variant type: single nucleotide variant.
Coding change: c.9146A>G on transcript NM_000059.4 (MANE Select); coding-DNA position 9146, A replaced by G.
Protein change: p.Tyr3049Cys; replaces tyrosine 3049 with cysteine.
Molecular consequence: missense variant.
Genome position (GRCh38, 1-based): chr13:32,380,035, A>G. VCF-style: chr13-32380035-A-G. GRCh37 (hg19) VCF-style: chr13-32954172-A-G.
Other names: short protein forms Y3049C.
Identifiers: ClinVar variation 187431 (VCV000187431.15), dbSNP rs200924727, ClinGen allele CA026003.

ClinVar aggregate classification (germline): Conflicting classifications of pathogenicity. Review status: criteria provided, conflicting classifications (1 of 4 stars). 2 submissions from 2 submitters: Uncertain significance (1); Likely benign (1). Last evaluated 2022-01-11.

Conditions:
Hereditary cancer-predisposing syndrome. Also called: Neoplastic Syndromes, Hereditary; Tumor predisposition; Hereditary Cancer Syndrome; Hereditary neoplastic syndrome. Identifiers: Orphanet 140162, MedGen C0027672, MeSH D009386, MONDO:0015356.
Hereditary breast ovarian cancer syndrome. Also called: Hereditary breast and ovarian cancer; Hereditary breast and/or ovarian cancer syndrome; BRCA1- and BRCA2-Associated Hereditary Breast and Ovarian Cancer; Hereditary breast and ovarian cancer syndrome (HBOC); Hereditary breast and ovarian cancer syndrome; Breast and ovarian cancer. Identifiers: Orphanet 145, MedGen C0677776, MeSH D061325, MONDO:0003582. Disease mechanism: loss of function.

Allele frequency attached by ClinVar (database versions not stated): gnomAD exomes below 0.00001.
gnomAD v4.1: 1 of 1,613,980 alleles (0.000062%); highest among the groups gnomAD compares: Non-Finnish European, 0.000085%; no homozygotes.

Submissions (2):

Ambry Genetics
Classification: Likely benign for Hereditary cancer-predisposing syndrome. Last evaluated: 2022-01-11. Review status: criteria provided, single submitter. Criteria: Ambry Variant Classification Scheme 2023. Collection method: clinical testing. Allele origin: germline.

Labcorp Genetics (formerly Invitae), Labcorp
Classification: Uncertain significance for Hereditary breast ovarian cancer syndrome. Last evaluated: 2019-03-26. Review status: criteria provided, single submitter. Criteria: Invitae Variant Classification Sherloc (09022015). Collection method: clinical testing. Allele origin: germline.
Comment: In summary, the available evidence is currently insufficient to determine the role of this variant in disease. Therefore, it has been classified as a Variant of Uncertain Significance. Algorithms developed to predict the effect of missense changes on protein structure and function (SIFT, PolyPhen-2, Align-GVGD) all suggest that this variant is likely to be disruptive, but these predictions have not been confirmed by published functional studies and their clinical significance is uncertain. This variant has not been reported in the literature in individuals with BRCA2-related conditions. ClinVar contains an entry for this variant (Variation ID: 187431). This variant is not present in population databases (ExAC no frequency). This sequence change replaces tyrosine with cysteine at codon 3049 of the BRCA2 protein (p.Tyr3049Cys). The tyrosine residue is moderately conserved and there is a large physicochemical difference between tyrosine and cysteine.